The following is an entry in ClinVar:

ClinVar aggregate classification (germline): Likely pathogenic. Review status: criteria provided, multiple submitters, no conflicts (2 of 4 stars). 3 submissions from 3 submitters: Likely pathogenic (3). Last evaluated 2025-03-10.

Conditions:
OAT-related disorder. Also called: OAT-related condition.
Ornithine aminotransferase deficiency (GACR). Also called: OKT DEFICIENCY; Ornithine ketoacid aminotransferase deficiency; Gyrate atrophy; Gyrate atrophy of choroid and retina; Girate atrophy of the retina; HYPERORNITHINEMIA WITH GYRATE ATROPHY OF CHOROID AND RETINA. Identifiers: Orphanet 414, MedGen C0018425, MONDO:0009796, OMIM 258870.
Hyperornithinemia. Also called: Ornithinemia. Identifiers: MedGen C0599035, HP:0012026.

Submissions (3):

Women's Health and Genetics/Laboratory Corporation of America, LabCorp
Classification: Likely pathogenic for Hyperornithinemia. Last evaluated: 2025-03-10. Review status: criteria provided, single submitter. Criteria: LabCorp Variant Classification Summary - May 2015. Collection method: clinical testing. Allele origin: germline.
Comment: Variant summary: OAT c.881_900+51del71 is located in a canonical splice-site and is predicted to affect mRNA splicing resulting in a significantly altered protein due to either exon skipping, shortening, or inclusion of intronic material. Variants that disrupt the consensus splice site are a relatively common cause of aberrant splicing and loss of OAT function. Several computational tools predict a significant impact on normal splicing: Three predict the variant abolishes a 5 splicing donor site. However, these predictions have yet to be confirmed by functional studies. The variant was absent in 250308 control chromosomes. To our knowledge, no occurrence of c.881_900+51del71 in individuals affected with Ornithine Aminotransferase Deficiency and no experimental evidence demonstrating its impact on protein function have been reported. ClinVar contains an entry for this variant (Variation ID: 1510856). Based on the evidence outlined above, the variant was classified as likely pathogenic.

Labcorp Genetics (formerly Invitae), Labcorp
Classification: Likely pathogenic for Ornithine aminotransferase deficiency. Last evaluated: 2021-06-08. Review status: criteria provided, single submitter. Criteria: Invitae Variant Classification Sherloc (09022015). Collection method: clinical testing. Allele origin: germline.
Comment: In summary, the currently available evidence indicates that the variant is pathogenic, but additional data are needed to prove that conclusively. Therefore, this variant has been classified as Likely Pathogenic. Algorithms developed to predict the effect of sequence changes on RNA splicing suggest that this variant may disrupt the consensus splice site, but this prediction has not been confirmed by published transcriptional studies. This variant has been observed in individual(s) with clinical features of gyrate atrophy (Invitae). This variant is not present in population databases (ExAC no frequency). This variant results in the deletion of part of exon 7 (c.881_900+51del) of the OAT gene. It is expected to disrupt RNA splicing. Variants that disrupt the donor or acceptor splice site typically lead to a loss of protein function (PMID: 16199547), and loss-of-function variants in OAT are known to be pathogenic (PMID: 1737786, 23076989)

Blueprint Genetics
Classification: Likely pathogenic for OAT-related disorders. Last evaluated: 2020-02-11. Review status: criteria provided, single submitter. Criteria: ACMG Guidelines, 2015. Collection method: clinical testing. Allele origin: germline. Affected: yes. Observed: 1 variant allele.

Literature cited by the submitters: PubMed 16199547 (cited by Labcorp Genetics (formerly Invitae), Labcorp); PubMed 1737786 (cited by Labcorp Genetics (formerly Invitae), Labcorp); PubMed 23076989 (cited by Labcorp Genetics (formerly Invitae), Labcorp).

NM_000274.4(OAT):c.881_900+51del

Gene: OAT (ornithine aminotransferase; minus strand). Cytogenetic location: 10q26.13.
Variant type: Deletion.
Coding change: c.881_900+51del on transcript NM_000274.4 (MANE Select); coding-DNA position 881 through 51 bases into the intron after coding-DNA position 900, 71 bases deleted.
Molecular consequence: splice donor variant.
Genome position (GRCh38, 1-based): chr10:124,402,876-124,402,946, 71 bases deleted. GRCh37 (hg19): chr10:126,091,447-126,091,517.
Other names: c.881_900+51del (NM_001322965.2, NM_001322969.2, NM_001322966.2 and 3 more transcripts); c.467_486+51del (NM_001171814.2); c.281_300+51del (NM_001322974.2); c.560_579+51del (NM_001322971.2); c.881_900+51del71 (NM_000274.4).
Identifiers: ClinVar variation 1510856 (VCV001510856.9), dbSNP rs1951451290, ClinGen allele CA933468331.